The following is an entry in ClinVar:

ClinVar aggregate classification (germline): Uncertain significance (1 of 4 stars; one submission).

Conditions:
SIM1-related obesity.

Allele frequency attached by ClinVar (database versions not stated): ExAC 0.00001; gnomAD 0.00002; TOPMed 0.00002.
gnomAD v4.1: 12 of 1,600,264 alleles (0.00075%); highest among the groups gnomAD compares: Non-Finnish European, 0.000085%; no homozygotes.

Submission:

New York Genome Center
Classification: Uncertain significance for SIM1-related obesity. Last evaluated: 2022-09-16. Review status: criteria provided, single submitter. Criteria: NYGC Assertion Criteria 2020. Collection method: clinical testing. Allele origin: germline. Observed: 1 heterozygote.
Comment: The c.1514G>C p.(Ser505Thr) variant identified in the SIM1 gene has not previously been reported in the literature or public variant repositories (ClinVar and LOVD). The c.1514G>C variant is observed in 9 alleles (~0. 0.0015% minor allele frequency with 0 homozygotes) in population databases (gnomAD v2.1.1 and v3.1.2, TOPMed Freeze 8), suggesting it is not a common benign variant in the populations represented in those databases. The c.1514G>C variant in SIM1 is located in exon 11 of this 12-exon gene, and predicted to replace an evolutionarily conserved serine amino acid with threonine at position 505 in theSingle-minded C-terminal domain of the encoded protein. In silico predictions are not in favor of damaging effect for p.(Ser505Thr) [(CADD v1.6 = 21.5, REVEL =0.097)]; however, there are no functional studies to support or refute these predictions. Based on available evidence this c.1514G>C p.(Ser505Thr) variant identified in SIM1 is classified as a Variant of Uncertain Significance.

NM_005068.3(SIM1):c.1514G>C (p.Ser505Thr)

Genes: SIM1 (SIM bHLH transcription factor 1; minus strand), SIM1-AS1 (SIM1 antisense RNA 1; plus strand). Cytogenetic location: 6q16.3.
Variant type: single nucleotide variant.
Coding change: c.1514G>C on transcript NM_005068.3 (MANE Select); coding-DNA position 1514, G replaced by C.
Protein change: p.Ser505Thr; replaces serine 505 with threonine.
Molecular consequence: missense variant.
Genome position (GRCh38, 1-based): chr6:100,393,543, C>G on the plus strand (G>C on the coding strand, the complement: SIM1 is on the minus strand). VCF-style: chr6-100393543-C-G. GRCh37 (hg19) VCF-style: chr6-100841419-C-G.
Other names: c.1514G>C, p.Ser505Thr (NM_001374769.1); short protein forms S505T.
Identifiers: ClinVar variation 2502227 (VCV002502227.1), dbSNP rs774538591, ClinGen allele CA3937005.